The following is an entry in ClinVar:

NM_003640.5(ELP1):c.3308A>G (p.Asp1103Gly)

Gene: ELP1 (elongator acetyltransferase complex subunit 1; minus strand). Cytogenetic location: 9q31.3.
Variant type: single nucleotide variant.
Coding change: c.3308A>G on transcript NM_003640.5 (MANE Select); coding-DNA position 3308, A replaced by G.
Protein change: p.Asp1103Gly; replaces aspartic acid 1103 with glycine.
Molecular consequence: missense variant.
Genome position (GRCh38, 1-based): chr9:108,881,743, T>C on the plus strand (A>G on the coding strand, the complement: ELP1 is on the minus strand). VCF-style: chr9-108881743-T-C. GRCh37 (hg19) VCF-style: chr9-111644023-T-C.
Other names: c.2966A>G, p.Asp989Gly (NM_001318360.2); c.2261A>G, p.Asp754Gly (NM_001330749.2); short protein forms D1103G, D754G, D989G.
Identifiers: ClinVar variation 3372976 (VCV003372976.1).
Genomic context (GRCh38, chr9:108,881,743, plus strand): 5'-CTATCTAAAATGGAACCCTCACCTTCTAAAATGGAAGGCTTTACGTTGGTTTCTATAATA[T>C]CCAGTCTGTTATATTTGTATACCTAGAAGGAAAAACACAATAATTTTAGGAAGGAAAACT-3'
Protein context (NP_003631.2, residues 1093-1113): LRLVYKYNRL[Asp1103Gly]IIETNVKPSI

ClinVar aggregate classification (germline): Uncertain significance (1 of 4 stars; one submission).

gnomAD v4.1: 2 of 1,580,650 alleles (0.00013%); highest among the groups gnomAD compares: South Asian, 0.0022%; no homozygotes.

Submission:

GeneDx
Classification: Uncertain significance. Last evaluated: 2024-04-23. Review status: criteria provided, single submitter. Criteria: GeneDx Variant Classification Process June 2021. Collection method: clinical testing. Allele origin: germline. Affected: yes.
Comment: Not observed at significant frequency in large population cohorts (gnomAD); In silico analysis supports that this missense variant has a deleterious effect on protein structure/function; Has not been previously published as pathogenic or benign to our knowledge; In silico analysis is inconclusive as to whether the variant alters gene splicing. In the absence of RNA/functional studies, the actual effect of this sequence change is unknown.